The following is an entry in ClinVar:

ClinVar aggregate classification (germline): Likely benign. Review status: criteria provided, multiple submitters, no conflicts (2 of 4 stars). 4 submissions from 4 submitters: Likely benign (4). Last evaluated 2026-05-14.

Allele frequency attached by ClinVar (database versions not stated): gnomAD exomes 0.00073; gnomAD 0.03459 and 0.03495.

Submissions (4):

Women's Health and Genetics/Laboratory Corporation of America, LabCorp
Classification: Likely benign. Last evaluated: 2026-05-14. Review status: criteria provided, single submitter. Criteria: LabCorp Variant Classification Summary - May 2015. Collection method: clinical testing. Allele origin: germline.
Comment: Variant summary: ACAN c.4150G>A (p.Ala1384Thr) results in a non-conservative amino acid change in the encoded protein sequence. Algorithms developed to predict the effect of missense changes on protein structure and function are either unavailable or do not agree on the potential impact of this missense change. The variant allele was found at a frequency of 0.00073 in 177744 control chromosomes, predominantly at a frequency of 0.011 within the African or African-American subpopulation in the gnomAD database. The observed variant frequency within African or African-American control individuals in the gnomAD database exceeds the estimated maximal expected allele frequency for disease-causing variants in ACAN. To our knowledge, no occurrence of c.4150G>A in individuals affected with ACAN-related conditions and no experimental evidence demonstrating its impact on protein function have been reported. ClinVar contains an entry for this variant (Variation ID: 1198349). Based on the evidence outlined above, the variant was classified as likely benign.

Blueprint Genetics
Classification: Likely benign. Last evaluated: 2024-11-26. Review status: criteria provided, single submitter. Criteria: ACMG Guidelines, 2015. Collection method: clinical testing. Allele origin: germline.

GeneDx
Classification: Likely benign. Last evaluated: 2018-07-05. Review status: criteria provided, single submitter. Criteria: GeneDx Variant Classification Process June 2021. Collection method: clinical testing. Allele origin: germline. Affected: yes.

Breakthrough Genomics
Classification: Likely benign. Review status: criteria provided, single submitter. Criteria: ACMG Guidelines, 2015. Collection method: not provided. Allele origin: germline. Inheritance: Autosomal recessive inheritance. Affected: yes.

NM_001369268.1(ACAN):c.4150G>A (p.Ala1384Thr)

Gene: ACAN (aggrecan; plus strand). Cytogenetic location: 15q26.1.
Variant type: single nucleotide variant.
Coding change: c.4150G>A on transcript NM_001369268.1 (MANE Select); coding-DNA position 4150, G replaced by A.
Protein change: p.Ala1384Thr; replaces alanine 1384 with threonine.
Molecular consequence: missense variant.
Genome position (GRCh38, 1-based): chr15:88,856,735, G>A. VCF-style: chr15-88856735-G-A. GRCh37 (hg19) VCF-style: chr15-89399966-G-A.
Other names: c.4150G>A, p.Ala1384Thr (NM_001135.4, NM_013227.4); short protein forms A1384T.
Identifiers: ClinVar variation 1198349 (VCV001198349.5), dbSNP rs61465251, ClinGen allele CA274481370.